The following is an entry in ClinVar:

ClinVar aggregate classification (germline): Uncertain significance. Review status: criteria provided, multiple submitters, no conflicts (2 of 4 stars). 2 submissions from 2 submitters: Uncertain significance (2). Last evaluated 2025-02-21.

gnomAD v4.1: 6 of 1,613,812 alleles (0.00037%); highest among the groups gnomAD compares: South Asian, 0.0022%; no homozygotes.

Submissions (2):

Ambry Genetics
Classification: Uncertain significance. Last evaluated: 2025-02-21. Review status: criteria provided, single submitter. Criteria: Ambry Variant Classification Scheme 2023. Collection method: clinical testing. Allele origin: germline.
Comment: The p.R587W variant (also known as c.1759C>T), located in coding exon 18 of the SRP72 gene, results from a C to T substitution at nucleotide position 1759. The arginine at codon 587 is replaced by tryptophan, an amino acid with dissimilar properties. This amino acid position is conserved. In addition, this alteration is predicted to be deleterious by in silico analysis. Based on the available evidence, the clinical significance of this variant remains unclear.

Labcorp Genetics (formerly Invitae), Labcorp
Classification: Uncertain significance. Last evaluated: 2024-05-09. Review status: criteria provided, single submitter. Criteria: Invitae Variant Classification Sherloc (09022015). Collection method: clinical testing. Allele origin: germline.
Comment: This sequence change replaces arginine, which is basic and polar, with tryptophan, which is neutral and slightly polar, at codon 587 of the SRP72 protein (p.Arg587Trp). This variant is present in population databases (rs773865461, gnomAD 0.006%). This variant has not been reported in the literature in individuals affected with SRP72-related conditions. Advanced modeling of protein sequence and biophysical properties (such as structural, functional, and spatial information, amino acid conservation, physicochemical variation, residue mobility, and thermodynamic stability) performed at Invitae indicates that this missense variant is expected to disrupt SRP72 protein function with a positive predictive value of 80%. In summary, the available evidence is currently insufficient to determine the role of this variant in disease. Therefore, it has been classified as a Variant of Uncertain Significance.

NM_006947.4(SRP72):c.1759C>T (p.Arg587Trp)

Gene: SRP72 (signal recognition particle 72; plus strand). Cytogenetic location: 4q12.
Variant type: single nucleotide variant.
Coding change: c.1759C>T on transcript NM_006947.4 (MANE Select); coding-DNA position 1759, C replaced by T.
Protein change: p.Arg587Trp; replaces arginine 587 with tryptophan.
Molecular consequence: missense variant. On other transcripts: non-coding transcript variant (1).
Genome position (GRCh38, 1-based): chr4:56,500,616, C>T. VCF-style: chr4-56500616-C-T. GRCh37 (hg19) VCF-style: chr4-57366782-C-T.
Other names: c.1576C>T, p.Arg526Trp (NM_001267722.2); c.1759C>T (NM_006947.3); short protein forms R526W, R587W.
Identifiers: ClinVar variation 3675764 (VCV003675764.3).